The following is an entry in ClinVar:

ClinVar aggregate classification (germline): Uncertain significance (1 of 4 stars; one submission).

Submission:

GeneDx
Classification: Uncertain significance. Last evaluated: 2026-04-07. Review status: criteria provided, single submitter. Criteria: GeneDx Variant Classification Process June 2021. Collection method: clinical testing. Allele origin: germline.
Comment: Not observed at significant frequency in large population cohorts (gnomAD); In silico analysis suggests that this missense variant does not alter protein structure/function; Has not been previously published as pathogenic or benign to our knowledge

NM_003070.5(SMARCA2):c.1999G>A (p.Glu667Lys)

Gene: SMARCA2 (SWI/SNF related BAF chromatin remodeling complex subunit ATPase 2; plus strand). Cytogenetic location: 9p24.3.
Variant type: single nucleotide variant.
Coding change: c.1999G>A on transcript NM_003070.5 (MANE Select); coding-DNA position 1999, G replaced by A.
Protein change: p.Glu667Lys; replaces glutamic acid 667 with lysine.
Molecular consequence: missense variant.
Genome position (GRCh38, 1-based): chr9:2,076,292, G>A. VCF-style: chr9-2076292-G-A. GRCh37 (hg19) VCF-style: chr9-2076292-G-A.
Other names: c.1999G>A, p.Glu667Lys (NM_001289396.2, NM_001289397.2, NM_139045.4); short protein forms E667K.
Identifiers: ClinVar variation 5036968 (VCV005036968.1).